The following is an entry in ClinVar:

ClinVar aggregate classification (germline): Uncertain significance (1 of 4 stars; one submission).

Submission:

GeneDx
Classification: Uncertain significance. Last evaluated: 2025-06-29. Review status: criteria provided, single submitter. Criteria: GeneDx Variant Classification Process June 2021. Collection method: clinical testing. Allele origin: germline. Affected: yes.
Comment: Not observed at significant frequency in large population cohorts (gnomAD); Has not been previously published as pathogenic or benign to our knowledge; Nonsense variant predicted to result in protein truncation as the last 8 amino acids are lost with an unclear effect on protein function

NM_012250.6(RRAS2):c.589A>T (p.Lys197Ter)

Gene: RRAS2 (RAS related 2; minus strand). Cytogenetic location: 11p15.2.
Variant type: single nucleotide variant.
Coding change: c.589A>T on transcript NM_012250.6 (MANE Select); coding-DNA position 589, A replaced by T.
Protein change: p.Lys197Ter; replaces lysine 197 with a stop codon.
Molecular consequence: nonsense.
Genome position (GRCh38, 1-based): chr11:14,279,363, T>A on the plus strand (A>T on the coding strand, the complement: RRAS2 is on the minus strand). VCF-style: chr11-14279363-T-A. GRCh37 (hg19) VCF-style: chr11-14300909-T-A.
Other names: c.358A>T, p.Lys120Ter (NM_001102669.3, NM_001177315.2, NM_001440712.1 and 3 more transcripts); c.484A>T, p.Lys162Ter (NM_001177314.2); c.727A>T, p.Lys243Ter (NM_001440708.1); c.496A>T, p.Lys166Ter (NM_001440709.1, NM_001440710.1); c.493A>T, p.Lys165Ter (NM_001440711.1); short protein forms K120*, K162*, K165*, K166*, K197*, K243*.
Identifiers: ClinVar variation 4680948 (VCV004680948.1).